The following is an entry in ClinVar:

ClinVar aggregate classification (germline): Likely pathogenic (1 of 4 stars; one submission).

Submission:

Labcorp Genetics (formerly Invitae), Labcorp
Classification: Likely pathogenic. Last evaluated: 2023-11-24. Review status: criteria provided, single submitter. Criteria: Invitae Variant Classification Sherloc (09022015). Collection method: clinical testing. Allele origin: germline.
Comment: This sequence change affects a donor splice site in intron 16 of the POLE gene. RNA analysis indicates that disruption of this splice site induces altered splicing and may result in an absent or disrupted protein product. This variant is not present in population databases (gnomAD no frequency). This variant has not been reported in the literature in individuals affected with POLE-related conditions. Studies have shown that disruption of this splice site results in activation of a cryptic splice site and introduces a premature termination codon (Invitae). The resulting mRNA is expected to undergo nonsense-mediated decay. In summary, the currently available evidence indicates that the variant is pathogenic, but additional data are needed to prove that conclusively. Therefore, this variant has been classified as Likely Pathogenic.

NM_006231.4(POLE):c.1794+1G>A

Gene: POLE (DNA polymerase epsilon, catalytic subunit; minus strand). Cytogenetic location: 12q24.33.
Variant type: single nucleotide variant.
Coding change: c.1794+1G>A on transcript NM_006231.4 (MANE Select); the canonical splice donor site of the intron after coding-DNA position 1794, G replaced by A.
Molecular consequence: splice donor variant.
Genome position (GRCh38, 1-based): chr12:132,672,214, C>T on the plus strand (G>A on the coding strand, the complement: POLE is on the minus strand). VCF-style: chr12-132672214-C-T. GRCh37 (hg19) VCF-style: chr12-133248800-C-T.
Identifiers: ClinVar variation 2698297 (VCV002698297.3), dbSNP rs2135990084, ClinGen allele CA387356200.
Genomic context (GRCh38, chr12:132,672,214, plus strand): 5'-ACGTGGTCTGTGAAGAAGGCGCCAAACACAGACTGGCTCTTCCTGCCTCCCTGATGGTTA[C>T]CTCTTCAAAGTTGGTGACTTGCTCCACAGGCACTTTCTCCTCTTCCTCAAGGGCGTGGCG-3'